The following is an entry in ClinVar:

ClinVar aggregate classification (germline): Uncertain significance (1 of 4 stars; one submission).

Submission:

Labcorp Genetics (formerly Invitae), Labcorp
Classification: Uncertain significance. Last evaluated: 2023-06-20. Review status: criteria provided, single submitter. Criteria: Invitae Variant Classification Sherloc (09022015). Collection method: clinical testing. Allele origin: germline.
Comment: In summary, the available evidence is currently insufficient to determine the role of this variant in disease. Therefore, it has been classified as a Variant of Uncertain Significance. Advanced modeling of protein sequence and biophysical properties (such as structural, functional, and spatial information, amino acid conservation, physicochemical variation, residue mobility, and thermodynamic stability) performed at Invitae indicates that this missense variant is not expected to disrupt CYB5R3 protein function. This variant has not been reported in the literature in individuals affected with CYB5R3-related conditions. This variant is not present in population databases (gnomAD no frequency). This sequence change replaces proline, which is neutral and non-polar, with threonine, which is neutral and polar, at codon 269 of the CYB5R3 protein (p.Pro269Thr).

NM_000398.7(CYB5R3):c.805C>A (p.Pro269Thr)

Gene: CYB5R3 (cytochrome b5 reductase 3; minus strand). Cytogenetic location: 22q13.2.
Variant type: single nucleotide variant.
Coding change: c.805C>A on transcript NM_000398.7 (MANE Select); coding-DNA position 805, C replaced by A.
Protein change: p.Pro269Thr; replaces proline 269 with threonine.
Molecular consequence: missense variant.
Genome position (GRCh38, 1-based): chr22:42,619,874, G>T on the plus strand (C>A on the coding strand, the complement: CYB5R3 is on the minus strand). VCF-style: chr22-42619874-G-T. GRCh37 (hg19) VCF-style: chr22-43015880-G-T.
Other names: c.805C>A, p.Pro269Thr (NM_001031678.1); c.736C>A, p.Pro246Thr (NM_001129819.2, NM_001171661.1, NM_007326.4); c.904C>A, p.Pro302Thr (NM_001171660.2); short protein forms P302T, P269T, P246T.
Identifiers: ClinVar variation 2711933 (VCV002711933.3), dbSNP rs373688908, ClinGen allele CA411796009.